The following is an entry in ClinVar:

NM_001164277.2(SLC37A4):c.59G>C (p.Gly20Ala)

Gene: SLC37A4 (solute carrier family 37 member 4; minus strand). Cytogenetic location: 11q23.3.
Variant type: single nucleotide variant.
Coding change: c.59G>C on transcript NM_001164277.2 (MANE Select); coding-DNA position 59, G replaced by C.
Protein change: p.Gly20Ala; replaces glycine 20 with alanine.
Molecular consequence: missense variant. On other transcripts: intron variant (1).
Genome position (GRCh38, 1-based): chr11:119,029,311, C>G on the plus strand (G>C on the coding strand, the complement: SLC37A4 is on the minus strand). VCF-style: chr11-119029311-C-G. GRCh37 (hg19) VCF-style: chr11-118900021-C-G.
Other names: c.59G>C, p.Gly20Ala (NM_001164278.2, NM_001164280.2, NM_001467.6); c.-172+81G>C (NM_001164279.2); short protein forms G20A.
Identifiers: ClinVar variation 551776 (VCV000551776.6), dbSNP rs193302881, ClinGen allele CA382908699.
Genomic context (GRCh38, chr11:119,029,311, plus strand): 5'-TCCACCAATGATGGCATGACAAAGGAGAAGGTCTTGCGATTGAAGTAATACAGGCTGTAG[C>G]CCCCAAACATGGCTGAGAAGATCACAGTGCGATAATAGCCATAGCCCTGGGCTGCCATGG-3'
Protein context (NP_001157749.1, residues 10-30): RTVIFSAMFG[Gly20Ala]YSLYYFNRKT

ClinVar aggregate classification (germline): Uncertain significance. Review status: criteria provided, single submitter (1 of 4 stars). 2 submissions from 2 submitters: Uncertain significance (1). 1 of the submissions does not count toward it. Last evaluated 2024-04-15.

Conditions:
Glucose-6-phosphate transport defect (GSD1B). Also called: Glycogen Storage Disease Type Ib; GSD Ib. Identifiers: Orphanet 364, Orphanet 79259, MedGen C0268146, MONDO:0009288, OMIM 232220.

Submissions (2):

Labcorp Genetics (formerly Invitae), Labcorp
Classification: Uncertain significance for Glucose-6-phosphate transport defect. Last evaluated: 2024-04-15. Review status: criteria provided, single submitter. Criteria: Invitae Variant Classification Sherloc (09022015). Collection method: clinical testing. Allele origin: germline.
Comment: This sequence change replaces glycine, which is neutral and non-polar, with alanine, which is neutral and non-polar, at codon 20 of the SLC37A4 protein (p.Gly20Ala). This variant is not present in population databases (gnomAD no frequency). This variant has not been reported in the literature in individuals affected with SLC37A4-related conditions. ClinVar contains an entry for this variant (Variation ID: 551776). Advanced modeling of protein sequence and biophysical properties (such as structural, functional, and spatial information, amino acid conservation, physicochemical variation, residue mobility, and thermodynamic stability) performed at Invitae indicates that this missense variant is not expected to disrupt SLC37A4 protein function with a negative predictive value of 80%. This variant disrupts the p.Gly20 amino acid residue in SLC37A4. Other variant(s) that disrupt this residue have been determined to be pathogenic (PMID: 9758626, 10518030, 12373566, 12444104). This suggests that this residue is clinically significant, and that variants that disrupt this residue are likely to be disease-causing. In summary, the available evidence is currently insufficient to determine the role of this variant in disease. Therefore, it has been classified as a Variant of Uncertain Significance.

Counsyl
Classification: Uncertain significance for Glucose-6-phosphate transport defect. Last evaluated: 2017-05-15. Review status: no assertion criteria provided. Collection method: clinical testing. Allele origin: unknown. Not counted in ClinVar's aggregate classification.

Literature cited by the submitters: PubMed 9758626 (cited by Labcorp Genetics (formerly Invitae), Labcorp); PubMed 10518030 (cited by Labcorp Genetics (formerly Invitae), Labcorp); PubMed 12373566 (cited by Labcorp Genetics (formerly Invitae), Labcorp); PubMed 12444104 (cited by Labcorp Genetics (formerly Invitae), Labcorp).